The following is an entry in ClinVar:

ClinVar aggregate classification (germline): Uncertain significance (1 of 4 stars; one submission).

Submission:

Labcorp Genetics (formerly Invitae), Labcorp
Classification: Uncertain significance. Last evaluated: 2024-02-24. Review status: criteria provided, single submitter. Criteria: Invitae Variant Classification Sherloc (09022015). Collection method: clinical testing. Allele origin: germline.
Comment: This sequence change replaces cysteine, which is neutral and slightly polar, with phenylalanine, which is neutral and non-polar, at codon 1420 of the ANKRD26 protein (p.Cys1420Phe). This variant is not present in population databases (gnomAD no frequency). This variant has not been reported in the literature in individuals affected with ANKRD26-related conditions. ClinVar contains an entry for this variant (Variation ID: 1896642). An algorithm developed to predict the effect of missense changes on protein structure and function (PolyPhen-2) suggests that this variant is likely to be disruptive. In summary, the available evidence is currently insufficient to determine the role of this variant in disease. Therefore, it has been classified as a Variant of Uncertain Significance.

NM_014915.3(ANKRD26):c.4259G>T (p.Cys1420Phe)

Gene: ANKRD26 (ankyrin repeat domain 26; minus strand). Cytogenetic location: 10p12.1.
Variant type: single nucleotide variant.
Coding change: c.4259G>T on transcript NM_014915.3 (MANE Select); coding-DNA position 4259, G replaced by T.
Protein change: p.Cys1420Phe; replaces cysteine 1420 with phenylalanine.
Molecular consequence: missense variant.
Genome position (GRCh38, 1-based): chr10:27,017,749, C>A on the plus strand (G>T on the coding strand, the complement: ANKRD26 is on the minus strand). VCF-style: chr10-27017749-C-A. GRCh37 (hg19) VCF-style: chr10-27306678-C-A.
Other names: c.4256G>T, p.Cys1419Phe (NM_001256053.2); short protein forms C1419F, C1420F.
Identifiers: ClinVar variation 1896642 (VCV001896642.5), dbSNP rs146159734, ClinGen allele CA376358198.
Genomic context (GRCh38, chr10:27,017,749, plus strand): 5'-ACTGTTTTCATAGATAACAACTCCTCTTGAAGAATTTGGTTCTTTGTATCCAGATGTAGA[C>A]ATTTTGAACCTGCAGTCTCCAGTTCTGCTGTAAGATCATCAATCTGAATGAAGACAATAA-3'
Protein context (NP_055730.2, residues 1410-1430): TAELETAGSK[Cys1420Phe]LHLDTKNQIL